The following is an entry in ClinVar:

ClinVar aggregate classification (germline): Conflicting classifications of pathogenicity. Review status: criteria provided, conflicting classifications (1 of 4 stars). 2 submissions from 2 submitters: Uncertain significance (1); Benign (1). Last evaluated 2025-12-15.

Submissions (2):

Labcorp Genetics (formerly Invitae), Labcorp
Classification: Uncertain significance. Last evaluated: 2025-12-15. Review status: criteria provided, single submitter. Criteria: Invitae Variant Classification Sherloc (09022015). Collection method: clinical testing. Allele origin: germline.
Comment: This sequence change falls in intron 25 of the PIEZO1 gene. It does not directly change the encoded amino acid sequence of the PIEZO1 protein. Information on the frequency of this variant in the gnomAD database is not available, as this variant may be reported differently in the database. This variant has not been reported in the literature in individuals affected with PIEZO1-related conditions. ClinVar contains an entry for this variant (Variation ID: 1679431). Experimental studies and prediction algorithms are not available or were not evaluated, and the effect of this variant on mRNA splicing is currently unknown. In summary, the available evidence is currently insufficient to determine the role of this variant in disease. Therefore, it has been classified as a Variant of Uncertain Significance.

ARUP Laboratories, Molecular Genetics and Genomics, ARUP Laboratories
Classification: Benign. Last evaluated: 2022-04-06. Review status: criteria provided, single submitter. Criteria: ARUP Molecular Germline Variant Investigation Process 2021. Collection method: clinical testing. Allele origin: germline.

NM_001142864.4(PIEZO1):c.3699+20_3699+21delinsCG

Gene: PIEZO1 (piezo type mechanosensitive ion channel component 1 (Er blood group); minus strand). Cytogenetic location: 16q24.3.
Variant type: Indel.
Coding change: c.3699+20_3699+21delinsCG on transcript NM_001142864.4 (MANE Select); bases 20 to 21 of the intron after coding-DNA position 3699, GC replaced by CG.
Molecular consequence: intron variant.
Genome position (GRCh38, 1-based): chr16:88,726,694-88,726,695, GC replaced by CG on the plus strand (GC replaced by CG on the coding strand, the reverse complement: PIEZO1 is on the minus strand). VCF-style: chr16-88726694-GC-CG. GRCh37 (hg19) VCF-style: chr16-88793102-GC-CG.
Identifiers: ClinVar variation 1679431 (VCV001679431.12), dbSNP rs1904465031, ClinGen allele CA2573152750.